The following is an entry in ClinVar:

ClinVar aggregate classification (germline): Pathogenic. Review status: criteria provided, multiple submitters, no conflicts (2 of 4 stars). 3 submissions from 3 submitters: Pathogenic (3). Last evaluated 2024-04-23.

Conditions:
Hereditary cancer-predisposing syndrome. Also called: Hereditary neoplastic syndrome; Neoplastic Syndromes, Hereditary; Tumor predisposition; Hereditary Cancer Syndrome. Identifiers: Orphanet 140162, MedGen C0027672, MeSH D009386, MONDO:0015356.
Familial cancer of breast. Also called: hereditary breast carcinoma; Hereditary breast cancer; BREAST CANCER, FAMILIAL. Identifiers: Orphanet 227535, MedGen C0346153, MONDO:0016419, OMIM 114480. Disease mechanism: loss of function.

Submissions (3):

Myriad Genetics, Inc.
Classification: Pathogenic for Familial cancer of breast. Last evaluated: 2024-04-23. Review status: criteria provided, single submitter. Criteria: Myriad Autosomal Dominant, Autosomal Recessive and X-Linked Classification Criteria (2023). Collection method: clinical testing. Allele origin: unknown.
Comment: This variant is considered pathogenic. This variant creates a frameshift predicted to result in premature protein truncation.

Labcorp Genetics (formerly Invitae), Labcorp
Classification: Pathogenic for Familial cancer of breast. Last evaluated: 2021-12-09. Review status: criteria provided, single submitter. Criteria: Invitae Variant Classification Sherloc (09022015). Collection method: clinical testing. Allele origin: germline.
Comment: This sequence change creates a premature translational stop signal (p.Ser76Valfs*20) in the BARD1 gene. It is expected to result in an absent or disrupted protein product. Loss-of-function variants in BARD1 are known to be pathogenic (PMID: 20077502, 21344236). This variant is not present in population databases (gnomAD no frequency). This premature translational stop signal has been observed in individual(s) with breast cancer (PMID: 26556299). ClinVar contains an entry for this variant (Variation ID: 565984). For these reasons, this variant has been classified as Pathogenic.

Ambry Genetics
Classification: Pathogenic for Hereditary cancer-predisposing syndrome. Last evaluated: 2021-10-19. Review status: criteria provided, single submitter. Criteria: Ambry Variant Classification Scheme 2023. Collection method: clinical testing. Allele origin: germline.
Comment: The c.226delA pathogenic mutation, located in coding exon 3 of the BARD1 gene, results from a deletion of one nucleotide at nucleotide position 226, causing a translational frameshift with a predicted alternate stop codon (p.S76Vfs*20). This mutation was identified as germline in a patient undergoing paired tumor-normal sequencing (Schrader KA et al. JAMA Oncol, 2016 Jan;2:104-11). This variant is considered to be rare based on population cohorts in the Genome Aggregation Database (gnomAD). In addition to the clinical data presented in the literature, this alteration is expected to result in loss of function by premature protein truncation or nonsense-mediated mRNA decay. As such, this alteration is interpreted as a disease-causing mutation.

Literature cited by the submitters: PubMed 20077502 (cited by Labcorp Genetics (formerly Invitae), Labcorp); PubMed 21344236 (cited by Labcorp Genetics (formerly Invitae), Labcorp); PubMed 26556299 (cited by Labcorp Genetics (formerly Invitae), Labcorp and Ambry Genetics).

NM_000465.4(BARD1):c.226del (p.Ser76fs)

Gene: BARD1 (BRCA1 associated RING domain 1; minus strand). Cytogenetic location: 2q35.
Variant type: Deletion.
Coding change: c.226del on transcript NM_000465.4 (MANE Select); coding-DNA position 226, one base deleted (A; older notation c.226delA).
Protein change: p.Ser76fs; shifts the reading frame from serine 76.
Molecular consequence: frameshift variant. On other transcripts: non-coding transcript variant (1), intron variant (2).
Genome position (GRCh38, 1-based): chr2:214,792,435, T deleted on the plus strand (A on the coding strand, the reverse complement: BARD1 is on the minus strand); the first of 2 consecutive T bases (chr2:214,792,435-214,792,436); deleting either gives the same sequence. VCF-style (leftmost placement, unchanged base first): chr2-214792434-CT-C. GRCh37 (hg19) VCF-style: chr2-215657158-CT-C.
Other names: c.169del, p.Ser57fs (NM_001282543.2); c.226del, p.Ser76fs (NM_001282549.2); c.158+16977del (NM_001282548.2); c.215+4626del (NM_001282545.2); short protein forms S57fs, S76fs.
Identifiers: ClinVar variation 565984 (VCV000565984.11), dbSNP rs1559437264, ClinGen allele CA891843069.
Genomic context (GRCh38, chr2:214,792,434, plus strand): 5'-TTCAAGTCTTGTATCCAGGCCGGGGTGTAACACACTGGACATCCAGTTCCAATGCAGTCA[CT>C]TACACAATTACTTTAAAATAATTAAAAAAAAAAAAAAAAGCAACCCATTCAGCAGAATTT-3'